The following is an entry in ClinVar:

ClinVar aggregate classification (germline): Uncertain significance (1 of 4 stars; one submission).

Conditions:
Pfeiffer syndrome (ACS5). Also called: ACS V. Identifiers: Orphanet 710, MedGen C0220658, MONDO:0007043, OMIM 101600.
Hypogonadotropic hypogonadism 2 with or without anosmia (HH2). Also called: FGFR1-Related GnRH Deficiency (Kallmann Syndrome 2); HYPOGONADOTROPIC HYPOGONADISM 2 WITH OR WITHOUT ANOSMIA, SUSCEPTIBILITY TO; HYPOGONADOTROPIC HYPOGONADISM 2 WITHOUT ANOSMIA, SUSCEPTIBILITY TO; HYPOGONADOTROPIC HYPOGONADISM 2 WITHOUT ANOSMIA. Identifiers: Orphanet 478, MedGen C1563720, MONDO:0007844, OMIM 147950. Disease mechanism: loss of function.

Submission:

Labcorp Genetics (formerly Invitae), Labcorp
Classification: Uncertain significance for Pfeiffer syndrome; Hypogonadotropic hypogonadism 2 with or without anosmia. Last evaluated: 2021-10-21. Review status: criteria provided, single submitter. Criteria: Invitae Variant Classification Sherloc (09022015). Collection method: clinical testing. Allele origin: germline.
Comment: In summary, the available evidence is currently insufficient to determine the role of this variant in disease. Therefore, it has been classified as a Variant of Uncertain Significance. Experimental studies and prediction algorithms are not available or were not evaluated, and the functional significance of this variant is currently unknown. This variant has not been reported in the literature in individuals affected with FGFR1-related conditions. This variant is not present in population databases (ExAC no frequency). This variant, c.179_208del, results in the deletion of 10 amino acid(s) of the FGFR1 protein (p.Asp60_Asp69del), but otherwise preserves the integrity of the reading frame.

NM_023110.3(FGFR1):c.179_208del (p.Asp60_Asp69del)

Gene: FGFR1 (fibroblast growth factor receptor 1; minus strand). Cytogenetic location: 8p11.23.
Variant type: Deletion.
Coding change: c.179_208del on transcript NM_023110.3 (MANE Select); coding-DNA positions 179 to 208, 30 bases deleted (ATGTGCAGAGCATCAACTGGCTGCGGGACG).
Protein change: p.Asp60_Asp69del.
Molecular consequence: inframe deletion. On other transcripts: intron variant (5).
Genome position (GRCh38, 1-based): chr8:38,429,832-38,429,861, CGTCCCGCAGCCAGTTGATGCTCTGCACAT deleted on the plus strand (ATGTGCAGAGCATCAACTGGCTGCGGGACG on the coding strand, the reverse complement: FGFR1 is on the minus strand); deleting any 30 consecutive bases within chr8:38,429,832-38,429,873 gives the same sequence; the c. name uses the placement nearest the transcript's 3' end. VCF-style (leftmost placement, unchanged base first): chr8-38429831-CCGTCCCGCAGCCAGTTGATGCTCTGCACAT-C. GRCh37 (hg19) VCF-style: chr8-38287349-CCGTCCCGCAGCCAGTTGATGCTCTGCACAT-C.
Other names: c.179_208del, p.Asp60_Asp69del (NM_001174063.2, NM_001174065.2, NM_001354367.2 and 2 more transcripts); c.155_184del, p.Asp52_Asp61del (NM_001174064.2); c.278_307del, p.Asp93_Asp102del (NM_001174067.2); c.92-1426_92-1397del (NM_001354368.2, NM_001354370.2, NM_023106.3 and 2 more transcripts).
Identifiers: ClinVar variation 1437545 (VCV001437545.6), dbSNP rs1387712427, ClinGen allele CA581431131.